The following is an entry in ClinVar:

ClinVar aggregate classification (germline): Uncertain significance (1 of 4 stars; one submission).

Submission:

Labcorp Genetics (formerly Invitae), Labcorp
Classification: Uncertain significance. Last evaluated: 2024-11-14. Review status: criteria provided, single submitter. Criteria: Invitae Variant Classification Sherloc (09022015). Collection method: clinical testing. Allele origin: germline.
Comment: This sequence change replaces glycine, which is neutral and non-polar, with arginine, which is basic and polar, at codon 217 of the CSF1R protein (p.Gly217Arg). This variant is not present in population databases (gnomAD no frequency). This variant has not been reported in the literature in individuals affected with CSF1R-related conditions. Invitae Evidence Modeling of protein sequence and biophysical properties (such as structural, functional, and spatial information, amino acid conservation, physicochemical variation, residue mobility, and thermodynamic stability) indicates that this missense variant is not expected to disrupt CSF1R protein function with a negative predictive value of 95%. In summary, the available evidence is currently insufficient to determine the role of this variant in disease. Therefore, it has been classified as a Variant of Uncertain Significance.

NM_001288705.3(CSF1R):c.649G>A (p.Gly217Arg)

Genes: CSF1R (colony stimulating factor 1 receptor; minus strand), LOC111188154 (RORalpha allelically-responsive CSF1R enhancer; plus strand). Cytogenetic location: 5q32.
Variant type: single nucleotide variant.
Coding change: c.649G>A on transcript NM_001288705.3 (MANE Select); coding-DNA position 649, G replaced by A.
Protein change: p.Gly217Arg; replaces glycine 217 with arginine.
Molecular consequence: missense variant. On other transcripts: non-coding transcript variant (2).
Genome position (GRCh38, 1-based): chr5:150,078,192, C>T on the plus strand (G>A on the coding strand, the complement: CSF1R is on the minus strand). VCF-style: chr5-150078192-C-T. GRCh37 (hg19) VCF-style: chr5-149457755-C-T.
Other names: c.205G>A, p.Gly69Arg (NM_001375321.1); c.649G>A, p.Gly217Arg (NM_005211.4, NM_001349736.2, NM_001375320.1); short protein forms G217R, G69R.
Identifiers: ClinVar variation 3627901 (VCV003627901.2).